The following is an entry in ClinVar:

NR_033294.2(SNORD118):n.7A>G

Genes: SNORD118 (small nucleolar RNA, C/D box 118; minus strand), TMEM107 (transmembrane protein 107; minus strand). Cytogenetic location: 17p13.1.
Variant type: single nucleotide variant.
Molecular consequence: non-coding transcript variant (on NR_033294.2). On other transcripts: 3 prime UTR variant (5).
Genome position: GRCh38 VCF-style: chr17-8173582-T-C. GRCh37 (hg19) VCF-style: chr17-8076900-T-C.
Other names: c.*621A>G (NM_001351278.2, NM_001351279.2, NM_001351280.2 and 2 more transcripts).
Identifiers: ClinVar variation 1370744 (VCV001370744.6), dbSNP rs202130315, ClinGen allele CA8370838.

ClinVar aggregate classification (germline): Uncertain significance (1 of 4 stars; one submission).

Allele frequency attached by ClinVar (database versions not stated): ESP Exome Variant Server 0.00017.
gnomAD v4.1: 6 of 764,370 alleles (0.00078%); highest among the groups gnomAD compares: Middle Eastern, 0.023%; no homozygotes.

Submission:

Labcorp Genetics (formerly Invitae), Labcorp
Classification: Uncertain significance. Last evaluated: 2025-12-01. Review status: criteria provided, single submitter. Criteria: Invitae Variant Classification Sherloc (09022015). Collection method: clinical testing. Allele origin: germline.
Comment: This variant occurs in the SNORD118 gene, which encodes an RNA molecule that does not result in a protein product. This variant is present in population databases (rs202130315, gnomAD 0.005%). This variant has not been reported in the literature in individuals affected with SNORD118-related conditions. ClinVar contains an entry for this variant (Variation ID: 1370744). Experimental studies and prediction algorithms are not available or were not evaluated, and the functional significance of this variant is currently unknown. In summary, the available evidence is currently insufficient to determine the role of this variant in disease. Therefore, it has been classified as a Variant of Uncertain Significance.